The following is an entry in ClinVar:

ClinVar aggregate classification (germline): Pathogenic (1 of 4 stars; one submission).

Conditions:
Tuberous sclerosis 2 (TSC2). Identifiers: Orphanet 805, MedGen C1860707, MONDO:0013199, OMIM 613254.

Submission:

Labcorp Genetics (formerly Invitae), Labcorp
Classification: Pathogenic for Tuberous sclerosis 2. Last evaluated: 2020-02-06. Review status: criteria provided, single submitter. Criteria: Invitae Variant Classification Sherloc (09022015). Collection method: clinical testing. Allele origin: germline.
Comment: For these reasons, this variant has been classified as Pathogenic. Deletion of the region of the TSC2 gene that includes exon(s) 20 has been determined to be clinically significant (PMID: 11281455, 10205261, 17287951). Therefore, deletions that encompass that region are likely to disrupt protein function and cause disease. This variant has not been reported in the literature in individuals with TSC2-related conditions. This variant is an in-frame deletion of the genomic region encompassing exons 17-21 of the TSC2 gene. It preserves the integrity of the reading frame.

Literature cited by the submitters: PubMed 11281455; PubMed 10205261; PubMed 17287951.

NC_000016.9:g.(?_2120437)_(2123004_?)del

Gene: TSC2 (TSC complex subunit 2; plus strand). Cytogenetic location: 16p13.3.
Variant type: Deletion.
Identifiers: ClinVar variation 1071380 (VCV001071380.7).